The following is an entry in ClinVar:

NM_001199107.2(TBC1D24):c.*4677G>A

Gene: TBC1D24 (TBC1 domain family member 24; plus strand). Cytogenetic location: 16p13.3.
Variant type: single nucleotide variant.
Coding change: c.*4677G>A on transcript NM_001199107.2 (MANE Select); 4677 bases downstream of the stop codon, G replaced by A.
Molecular consequence: 3 prime UTR variant.
Genome position (GRCh38, 1-based): chr16:2,505,635, G>A. VCF-style: chr16-2505635-G-A. GRCh37 (hg19) VCF-style: chr16-2555636-G-A.
Other names: c.*4677G>A (NM_020705.3).
Identifiers: ClinVar variation 886658 (VCV000886658.4), dbSNP rs145113614, ClinGen allele CA276810890.
Genomic context (GRCh38, chr16:2,505,635, plus strand): 5'-GAGCCTCTCAATGAATGTAATAAAAAAAATGTGTAGTGAGCACAAATGTATGGATTTGCA[G>A]CACAATCCAACTTTGAAAATGTGAAAATAAGTGAGTTAGTGATATGTTTGGTTGGTGTTA-3'

ClinVar aggregate classification (germline): Likely benign (1 of 4 stars; one submission).

Conditions:
Familial infantile myoclonic epilepsy (FIME). Also called: TBC1D24-Related Familial Infantile Myoclonic Epilepsy (FIME); Epilepsy, Myoclonic, Infantile. Identifiers: Orphanet 352582, MedGen C0917800, MONDO:0011506, OMIM 605021.

Allele frequency attached by ClinVar (database versions not stated): TOPMed 0.00019; gnomAD 0.00033 and 0.00019; 1000 Genomes Project 30x 0.00234; 1000 Genomes Project 0.00300.

Submission:

Illumina Laboratory Services, Illumina
Classification: Likely benign for Familial infantile myoclonic epilepsy. Last evaluated: 2018-01-12. Review status: criteria provided, single submitter. Criteria: ICSL Variant Classification Criteria 13 December 2019. Collection method: clinical testing. Allele origin: germline.
Comment: This variant was observed in the ICSL laboratory as part of a predisposition screen in an ostensibly healthy population. It had not been previously curated by ICSL or reported in the Human Gene Mutation Database (HGMD: prior to June 1st, 2018), and was therefore a candidate for classification through an automated scoring system. Utilizing variant allele frequency, disease prevalence and penetrance estimates, and inheritance mode, an automated score was calculated to assess if this variant is too frequent to cause the disease. Based on the score and internal cut-off values, a variant classified as likely benign is not then subjected to further curation. The score for this variant resulted in a classification of likely benign for this disease.